The following is an entry in ClinVar:

ClinVar aggregate classification (germline): Uncertain significance (1 of 4 stars; one submission).

Conditions:
Inborn genetic diseases. Identifiers: MedGen C0950123, MeSH D030342.

gnomAD v4.1: 1 of 1,605,768 alleles (0.000062%); highest among the groups gnomAD compares: Non-Finnish European, 0.000085%; no homozygotes.

Submission:

Ambry Genetics
Classification: Uncertain significance for Inborn genetic diseases. Last evaluated: 2026-07-03. Review status: criteria provided, single submitter. Criteria: Ambry Variant Classification Scheme 2023. Collection method: clinical testing. Allele origin: germline.
Comment: The c.206A>G (p.E69G) alteration is located in exon 3 (coding exon 2) of the RAB23 gene. This alteration results from a A to G substitution at nucleotide position 206, causing the glutamic acid (E) at amino acid position 69 to be replaced by a glycine (G). Based on data from gnomAD, the G allele has an overall frequency of <0.001% (1/251188) total alleles studied. The highest observed frequency was 0.001% (1/113580) of European (non-Finnish) alleles. Based on insufficient or conflicting evidence, the clinical significance of this alteration remains unclear.

NM_016277.5(RAB23):c.206A>G (p.Glu69Gly)

Gene: RAB23 (RAB23, member RAS oncogene family; minus strand). Cytogenetic location: 6p11.2.
Variant type: single nucleotide variant.
Coding change: c.206A>G on transcript NM_016277.5 (MANE Select); coding-DNA position 206, A replaced by G.
Protein change: p.Glu69Gly; replaces glutamic acid 69 with glycine.
Molecular consequence: missense variant.
Genome position (GRCh38, 1-based): chr6:57,207,663, T>C on the plus strand (A>G on the coding strand, the complement: RAB23 is on the minus strand). VCF-style: chr6-57207663-T-C. GRCh37 (hg19) VCF-style: chr6-57072461-T-C.
Other names: c.206A>G, p.Glu69Gly (NM_001278666.2, NM_001278667.2, NM_001278668.2 and 1 more transcripts); short protein forms E69G.
Identifiers: ClinVar variation 5027676 (VCV005027676.1).